The following is an entry in ClinVar:

ClinVar aggregate classification (germline): Conflicting classifications of pathogenicity. Review status: criteria provided, conflicting classifications (1 of 4 stars). 5 submissions from 5 submitters: Uncertain significance (4); Likely benign (1). Last evaluated 2026-06-03.

Conditions:
Hereditary cancer-predisposing syndrome. Also called: Hereditary Cancer Syndrome; Neoplastic Syndromes, Hereditary; Tumor predisposition; Hereditary neoplastic syndrome. Identifiers: Orphanet 140162, MedGen C0027672, MeSH D009386, MONDO:0015356.
Breast-ovarian cancer, familial, susceptibility to, 2 (BROVCA2). Also called: BRCA2 Hereditary Breast and Ovarian Cancer. Identifiers: Orphanet 145, MedGen C2675520, MONDO:0012933, OMIM 612555. Disease mechanism: loss of function.
Hereditary breast ovarian cancer syndrome. Also called: Hereditary breast and ovarian cancer syndrome (HBOC); Hereditary breast and/or ovarian cancer syndrome; BRCA1- and BRCA2-Associated Hereditary Breast and Ovarian Cancer; Hereditary breast and ovarian cancer; Breast and ovarian cancer; Hereditary breast and ovarian cancer syndrome. Identifiers: Orphanet 145, MedGen C0677776, MeSH D061325, MONDO:0003582. Disease mechanism: loss of function.

Allele frequency attached by ClinVar (database versions not stated): TOPMed below 0.00001.

Submissions (5):

Ambry Genetics
Classification: Uncertain significance for Hereditary cancer-predisposing syndrome. Last evaluated: 2026-06-03. Review status: criteria provided, single submitter. Criteria: Ambry Variant Classification Scheme 2023. Collection method: clinical testing. Allele origin: germline.

All of Us Research Program, National Institutes of Health
Classification: Uncertain significance for Breast-ovarian cancer, familial, susceptibility to, 2. Last evaluated: 2023-04-27. Review status: criteria provided, single submitter. Criteria: ACMG Guidelines, 2015. Collection method: clinical testing. Allele origin: germline. Inheritance: Autosomal dominant inheritance. Observed: 1 variant allele, 1 heterozygote.
Comment: This study involves interpretation of variants in research participants for the purpose of population health screening. Participant phenotype was not available at the time of variant classification. Additional details can be found in publication PMID: 35346344, PMCID: PMC8962531

University of Washington Department of Laboratory Medicine, University of Washington
Classification: Likely benign for Hereditary cancer-predisposing syndrome. Last evaluated: 2023-03-23. Review status: criteria provided, single submitter. Criteria: Dines et al. (Genet Med. 2020). Collection method: curation. Allele origin: germline.
Comment: Missense variant in a coldspot region where missense variants are very unlikely to be pathogenic (PMID:31911673).

BRCA2 exon 11 coldspot. Reclassification based on statistical prior probability.

Labcorp Genetics (formerly Invitae), Labcorp
Classification: Uncertain significance for Hereditary breast ovarian cancer syndrome. Last evaluated: 2022-10-13. Review status: criteria provided, single submitter. Criteria: Invitae Variant Classification Sherloc (09022015). Collection method: clinical testing. Allele origin: germline.
Comment: This sequence change replaces arginine, which is basic and polar, with glycine, which is neutral and non-polar, at codon 1570 of the BRCA2 protein (p.Arg1570Gly). This variant is not present in population databases (gnomAD no frequency). This variant has not been reported in the literature in individuals affected with BRCA2-related conditions. ClinVar contains an entry for this variant (Variation ID: 918846). Advanced modeling of protein sequence and biophysical properties (such as structural, functional, and spatial information, amino acid conservation, physicochemical variation, residue mobility, and thermodynamic stability) performed at Invitae indicates that this missense variant is not expected to disrupt BRCA2 protein function. In summary, the available evidence is currently insufficient to determine the role of this variant in disease. Therefore, it has been classified as a Variant of Uncertain Significance.

Color Diagnostics, LLC DBA Color Health
Classification: Uncertain significance for Hereditary cancer-predisposing syndrome. Last evaluated: 2019-03-27. Review status: criteria provided, single submitter. Criteria: ACMG Guidelines, 2015. Collection method: clinical testing. Allele origin: germline.

NM_000059.4(BRCA2):c.4708A>G (p.Arg1570Gly)

Gene: BRCA2 (BRCA2 DNA repair associated; plus strand). Cytogenetic location: 13q13.1.
Variant type: single nucleotide variant.
Coding change: c.4708A>G on transcript NM_000059.4 (MANE Select); coding-DNA position 4708, A replaced by G.
Protein change: p.Arg1570Gly; replaces arginine 1570 with glycine.
Molecular consequence: missense variant.
Genome position (GRCh38, 1-based): chr13:32,339,063, A>G. VCF-style: chr13-32339063-A-G. GRCh37 (hg19) VCF-style: chr13-32913200-A-G.
Other names: short protein forms R1570G.
Identifiers: ClinVar variation 918846 (VCV000918846.15), dbSNP rs2072511183, ClinGen allele CA387782922.